The following is an entry in ClinVar:

NM_201596.3(CACNB2):c.1463G>A (p.Ser488Asn)

Gene: CACNB2 (calcium voltage-gated channel auxiliary subunit beta 2; plus strand). Cytogenetic location: 10p12.31.
Variant type: single nucleotide variant.
Coding change: c.1463G>A on transcript NM_201596.3 (MANE Select); coding-DNA position 1463, G replaced by A.
Protein change: p.Ser488Asn; replaces serine 488 with asparagine.
Molecular consequence: missense variant.
Genome position (GRCh38, 1-based): chr10:18,538,340, G>A. VCF-style: chr10-18538340-G-A. GRCh37 (hg19) VCF-style: chr10-18827269-G-A.
Other names: c.1298G>A, p.Ser433Asn (NM_000724.4); c.1265G>A, p.Ser422Asn (NM_001167945.2); c.1184G>A, p.Ser395Asn (NM_001330060.2); c.1205G>A, p.Ser402Asn (NM_001410882.1); c.1319G>A, p.Ser440Asn (NM_201570.3); c.1379G>A, p.Ser460Asn (NM_201571.4); c.1307G>A, p.Ser436Asn (NM_201572.4); c.1301G>A, p.Ser434Asn (NM_201590.3); and 2 more; short protein forms S395N, S436N, S440N, S460N, S488N, S464N, S402N, S422N.
Identifiers: ClinVar variation 1769422 (VCV001769422.2), dbSNP rs2494880539, ClinGen allele CA376070611.

ClinVar aggregate classification (germline): Uncertain significance (1 of 4 stars; one submission).

Conditions:
Cardiovascular phenotype. Identifiers: MedGen CN230736.

Allele frequency attached by ClinVar (database versions not stated): gnomAD exomes below 0.00001.
gnomAD v4.1: 2 of 1,613,996 alleles (0.00012%); highest among the groups gnomAD compares: Non-Finnish European, 0.00017%; no homozygotes.

Submission:

Ambry Genetics
Classification: Uncertain significance for Cardiovascular phenotype. Last evaluated: 2018-07-25. Review status: criteria provided, single submitter. Criteria: Ambry Variant Classification Scheme 2023. Collection method: clinical testing. Allele origin: germline.
Comment: The p.S434N variant (also known as c.1301G>A), located in coding exon 12 of the CACNB2 gene, results from a G to A substitution at nucleotide position 1301. The serine at codon 434 is replaced by asparagine, an amino acid with highly similar properties. This amino acid position is well conserved in available vertebrate species; however, asparagine is the reference amino acid in other vertebrate species. In addition, this alteration is predicted to be tolerated by in silico analysis. Since supporting evidence is limited at this time, the clinical significance of this alteration remains unclear.